The following is an entry in ClinVar:

NM_152383.5(DIS3L2):c.1501A>T (p.Ile501Phe)

Gene: DIS3L2 (DIS3 like 3'-5' exoribonuclease 2; plus strand). Cytogenetic location: 2q37.1.
Variant type: single nucleotide variant.
Coding change: c.1501A>T on transcript NM_152383.5 (MANE Select); coding-DNA position 1501, A replaced by T.
Protein change: p.Ile501Phe; replaces isoleucine 501 with phenylalanine.
Molecular consequence: missense variant. On other transcripts: non-coding transcript variant (2).
Genome position (GRCh38, 1-based): chr2:232,263,282, A>T. VCF-style: chr2-232263282-A-T. GRCh37 (hg19) VCF-style: chr2-233127992-A-T.
Other names: c.1501A>T, p.Ile501Phe (NM_001257281.2); short protein forms I501F.
Identifiers: ClinVar variation 410762 (VCV000410762.8), dbSNP rs1060503036, ClinGen allele CA16610638.

ClinVar aggregate classification (germline): Uncertain significance (1 of 4 stars; one submission).

Conditions:
Perlman syndrome (PRLMNS). Identifiers: Orphanet 2849, MedGen C0796113, MONDO:0009965, OMIM 267000.

Allele frequency attached by ClinVar (database versions not stated): gnomAD exomes below 0.00001.
gnomAD v4.1: 1 of 1,614,200 alleles (0.000062%); highest among the groups gnomAD compares: Admixed American, 0.0017%; no homozygotes.

Submission:

Labcorp Genetics (formerly Invitae), Labcorp
Classification: Uncertain significance for Perlman syndrome. Last evaluated: 2024-03-21. Review status: criteria provided, single submitter. Criteria: Invitae Variant Classification Sherloc (09022015). Collection method: clinical testing. Allele origin: germline.
Comment: This sequence change replaces isoleucine, which is neutral and non-polar, with phenylalanine, which is neutral and non-polar, at codon 501 of the DIS3L2 protein (p.Ile501Phe). This variant is present in population databases (no rsID available, gnomAD 0.003%). This variant has not been reported in the literature in individuals affected with DIS3L2-related conditions. ClinVar contains an entry for this variant (Variation ID: 410762). Advanced modeling of protein sequence and biophysical properties (such as structural, functional, and spatial information, amino acid conservation, physicochemical variation, residue mobility, and thermodynamic stability) has been performed at Invitae for this missense variant, however the output from this modeling did not meet the statistical confidence thresholds required to predict the impact of this variant on DIS3L2 protein function. In summary, the available evidence is currently insufficient to determine the role of this variant in disease. Therefore, it has been classified as a Variant of Uncertain Significance.